The following is an entry in ClinVar:

NM_194248.3(OTOF):c.4308C>G (p.Thr1436=)

Gene: OTOF (otoferlin; minus strand). Cytogenetic location: 2p23.3.
Variant type: single nucleotide variant.
Coding change: c.4308C>G on transcript NM_194248.3 (MANE Select); coding-DNA position 4308, C replaced by G.
Protein change: p.Thr1436=; no amino-acid change (threonine 1436 retained).
Molecular consequence: synonymous variant.
Genome position (GRCh38, 1-based): chr2:26,467,153, G>C on the plus strand (C>G on the coding strand, the complement: OTOF is on the minus strand). VCF-style: chr2-26467153-G-C. GRCh37 (hg19) VCF-style: chr2-26690021-G-C.
Other names: c.4308C>G, p.Thr1436= (NM_001287489.2); c.2007C>G, p.Thr669= (NM_004802.4, NM_194323.3); c.2238C>G, p.Thr746= (NM_194322.3).
Identifiers: ClinVar variation 3002490 (VCV003002490.20), dbSNP rs558685914, ClinGen allele CA1563221.
Genomic context (GRCh38, chr2:26,467,153, plus strand): 5'-CCTGACCTTGAAGCGTCCCACAATGCGCTCCTCCTCGGTGGAGCCATCCTCATCATCCCC[G>C]GTCTTGCCCCGAAGCAAGTTGAAAGTGTGCAGCCAGTCCTCAAAGTTATCAAACTCGGAC-3'
Protein context (NP_919224.1, residues 1426-1446): LHTFNLLRGK[Thr1436=]GDDEDGSTEE

ClinVar aggregate classification (germline): Likely benign. Review status: criteria provided, multiple submitters, no conflicts (2 of 4 stars). 2 submissions from 2 submitters: Likely benign (2). Last evaluated 2024-07-01.

Allele frequency attached by ClinVar (database versions not stated): gnomAD 0.00001; 1000 Genomes Project 30x 0.00016; 1000 Genomes Project 0.00020.
gnomAD v4.1: 2 of 1,614,028 alleles (0.00012%); highest among the groups gnomAD compares: African/African-American, 0.0027%; no homozygotes.

Submissions (2):

CeGaT Center for Human Genetics Tuebingen
Classification: Likely benign. Last evaluated: 2024-07-01. Review status: criteria provided, single submitter. Criteria: CeGaT Center For Human Genetics Tuebingen Variant Classification Criteria Version 2. Collection method: clinical testing. Allele origin: germline. Affected: yes. Observed: 1 variant allele.
Comment: OTOF: BP4, BP7

Labcorp Genetics (formerly Invitae), Labcorp
Classification: Likely benign. Last evaluated: 2023-09-21. Review status: criteria provided, single submitter. Criteria: Invitae Variant Classification Sherloc (09022015). Collection method: clinical testing. Allele origin: germline.